The following is an entry in ClinVar:

NM_014319.5(LEMD3):c.278C>G (p.Pro93Arg)

Genes: LEMD3 (LEM domain containing 3; plus strand), LOC130008224 (ATAC-STARR-seq lymphoblastoid silent region 4630; plus strand). Cytogenetic location: 12q14.3.
Variant type: single nucleotide variant.
Coding change: c.278C>G on transcript NM_014319.5 (MANE Select); coding-DNA position 278, C replaced by G.
Protein change: p.Pro93Arg; replaces proline 93 with arginine.
Molecular consequence: missense variant.
Genome position (GRCh38, 1-based): chr12:65,169,874, C>G. VCF-style: chr12-65169874-C-G. GRCh37 (hg19) VCF-style: chr12-65563654-C-G.
Other names: c.278C>G, p.Pro93Arg (NM_001167614.2); short protein forms P93R.
Identifiers: ClinVar variation 2233477 (VCV002233477.5), dbSNP rs2498938033, ClinGen allele CA385672411.
Genomic context (GRCh38, chr12:65,169,874, plus strand): 5'-CCGCCACGGTCGCAGCCGCGGGACCAGCGGCGGCGGCGGCCGCGGGGATGGGGGTCCGGC[C>G]GGTCTCGGGCGACCTCTCCTACTTACGGACTCCTGGGGGCCTGTGCCGAATCTCGGCCTC-3'
Protein context (NP_055134.2, residues 83-103): AAAAAGMGVR[Pro93Arg]VSGDLSYLRT

ClinVar aggregate classification (germline): Uncertain significance. Review status: criteria provided, multiple submitters, no conflicts (2 of 4 stars). 2 submissions from 2 submitters: Uncertain significance (2). Last evaluated 2024-02-12.

Conditions:
Inborn genetic diseases. Identifiers: MedGen C0950123, MeSH D030342.

gnomAD v4.1: 1 of 1,452,558 alleles (0.000069%); highest among the groups gnomAD compares: Non-Finnish European, 0.000091%; no homozygotes.

Submissions (2):

Labcorp Genetics (formerly Invitae), Labcorp
Classification: Uncertain significance. Last evaluated: 2024-02-12. Review status: criteria provided, single submitter. Criteria: Invitae Variant Classification Sherloc (09022015). Collection method: clinical testing. Allele origin: germline.
Comment: This sequence change replaces proline, which is neutral and non-polar, with arginine, which is basic and polar, at codon 93 of the LEMD3 protein (p.Pro93Arg). This variant is not present in population databases (gnomAD no frequency). This variant has not been reported in the literature in individuals affected with LEMD3-related conditions. ClinVar contains an entry for this variant (Variation ID: 2233477). An algorithm developed to predict the effect of missense changes on protein structure and function (PolyPhen-2) suggests that this variant is likely to be tolerated. In summary, the available evidence is currently insufficient to determine the role of this variant in disease. Therefore, it has been classified as a Variant of Uncertain Significance.

Ambry Genetics
Classification: Uncertain significance for Inborn genetic diseases. Last evaluated: 2021-06-18. Review status: criteria provided, single submitter. Criteria: Ambry Variant Classification Scheme 2023. Collection method: clinical testing. Allele origin: germline.